The following is an entry in ClinVar:

NM_000352.6(ABCC8):c.4308-2A>G

Gene: ABCC8 (ATP binding cassette subfamily C member 8; minus strand). Cytogenetic location: 11p15.1.
Variant type: single nucleotide variant.
Coding change: c.4308-2A>G on transcript NM_000352.6 (MANE Select); the canonical splice acceptor site of the intron before coding-DNA position 4308, A replaced by G.
Molecular consequence: splice acceptor variant.
Genome position (GRCh38, 1-based): chr11:17,395,277, T>C on the plus strand (A>G on the coding strand, the complement: ABCC8 is on the minus strand). VCF-style: chr11-17395277-T-C. GRCh37 (hg19) VCF-style: chr11-17416824-T-C.
Other names: c.4305-2A>G (NM_001351297.2); c.4308-2A>G (NM_001351296.2, NM_000352.4); c.4374-2A>G (NM_001351295.2); c.4311-2A>G (NM_001287174.3).
Identifiers: ClinVar variation 280114 (VCV000280114.15), dbSNP rs886041391, ClinGen allele CA10603180.

ClinVar aggregate classification (germline): Pathogenic/Likely pathogenic. Review status: criteria provided, multiple submitters, no conflicts (2 of 4 stars). 8 submissions from 7 submitters: Pathogenic (3); Likely pathogenic (1). 4 of the submissions do not count toward it. Last evaluated 2025-11-21.

Conditions:
Maturity-onset diabetes of the young (MODY). Also called: Maturity onset diabetes mellitus in young. Identifiers: Orphanet 552, MedGen C0342276, MONDO:0018911, HP:0004904.
Hereditary hyperinsulinism.
Neonatal diabetes mellitus (NDM). Identifiers: Orphanet 224, MedGen C0158981, MONDO:0016391.
Hyperinsulinemic hypoglycemia, familial, 1 (HHF1). Also called: NESIDIOBLASTOSIS OF PANCREAS; HYPERINSULINISM, FAMILIAL, WITH PANCREATIC NESIDIOBLASTOSIS; HYPOGLYCEMIA, HYPERINSULINEMIC, OF INFANCY; Persistent Hyperinsulinemia Hypoglycemia of Infancy; Persistent hyperinsulinemic hypoglycemia of infancy. Identifiers: Orphanet 276575, Orphanet 276598, MedGen C2931832, MONDO:0009734, OMIM 256450.

Allele frequency attached by ClinVar (database versions not stated): TOPMed below 0.00001; gnomAD exomes 0.00001 and 0.00002.
gnomAD v4.1: 18 of 1,581,694 alleles (0.0011%); highest among the groups gnomAD compares: Non-Finnish European, 0.0015%; no homozygotes.

Submissions (8):

GeneDx
Classification: Likely pathogenic. Last evaluated: 2025-11-21. Review status: criteria provided, single submitter. Criteria: GeneDx Variant Classification Process June 2021. Collection method: clinical testing. Allele origin: germline. Affected: yes.
Comment: Canonical splice site variant predicted to result in a null allele in a gene for which loss of function is a known mechanism of disease; This variant is associated with the following publications: (PMID: 33013711, 39190903, 36208030, 32376986, 32027066, 31216263, 38095268, 38513803, 27533158, 23345197, 34789499)

Natera, Inc.
Classification: Pathogenic for Hereditary hyperinsulinism. Last evaluated: 2025-06-18. Review status: criteria provided, single submitter. Criteria: Natera Variant Classification Schema (03/2026). Collection method: clinical testing. Allele origin: germline.
Comment: The c.4308-2A>G variant in ABCC8 is a canonical splice acceptor site variant predicted to affect pre-mRNA splicing, which may result in an abnormal transcript and altered protein product. This variant is expected to result in nonsense mediated decay, truncation, or a dysfunctional protein product. This variant is rare in the general population with a frequency below the threshold expected for the associated phenotype(s). This variant has been observed in one or more individuals affected with the associated recessive disease, as either homozygous or compound heterozygous with a second variant (PMID: 23345197). Given the available evidence, this variant is classified as Pathogenic.

Labcorp Genetics (formerly Invitae), Labcorp
Classification: Pathogenic. Last evaluated: 2023-12-10. Review status: criteria provided, single submitter. Criteria: Invitae Variant Classification Sherloc (09022015). Collection method: clinical testing. Allele origin: germline.
Comment: This sequence change affects an acceptor splice site in intron 35 of the ABCC8 gene. It is expected to disrupt RNA splicing. Variants that disrupt the donor or acceptor splice site typically lead to a loss of protein function (PMID: 16199547), and loss-of-function variants in ABCC8 are known to be pathogenic (PMID: 20685672, 23345197). This variant is present in population databases (no rsID available, gnomAD 0.004%). Disruption of this splice site has been observed in individual(s) with autosomal recessive hyperinsulinism (PMID: 23345197, 32027066). In at least one individual the data is consistent with being in trans (on the opposite chromosome) from a pathogenic variant. This variant is also known as c.4311-2A>G. ClinVar contains an entry for this variant (Variation ID: 280114). Algorithms developed to predict the effect of sequence changes on RNA splicing suggest that this variant may disrupt the consensus splice site. For these reasons, this variant has been classified as Pathogenic.

Broad Center for Mendelian Genomics, Broad Institute of MIT and Harvard
Classification: Pathogenic for Hyperinsulinemic hypoglycemia, familial, 1. Last evaluated: 2023-08-16. Review status: criteria provided, single submitter. Criteria: ACMG Guidelines, 2015. Collection method: curation. Allele origin: germline. Inheritance: Autosomal recessive inheritance.
Comment: The c.4308-2A>G variant in ABCC8 has been reported in 1 individual, in the compound heterozygous state, with hyperinsulinemic hypoglycemia, and has been identified in 0.004% (3/82810) of European (non-Finnish) chromosomes by the Genome Aggregation Database (gnomAD; dbSNP ID: rs886041391). Although this variant has been seen in the general population in a heterozygous state, its frequency is low enough to be consistent with a recessive carrier frequency. This variant has also been reported in ClinVar (Variation ID: 280114) and has been interpreted as pathogenic by GeneDx and likely pathogenic by Counsyl. This variant is located in the 3' splice region. SpliceAI predictions indicate use of an out-of-frame cryptic splice site 47 bases from the intron-exon boundary, providing evidence that this variant may cause a frameshift and lead to a premature termination codon downstream. This alteration is then predicted to lead to a truncated or absent protein. However, this information is not predictive enough to determine pathogenicity. Loss of function of the ABCC8 gene is an established disease mechanism in autosomal recessive hyperinsulinemic hypoglycemia. In summary, this variant meets criteria to be classified as pathogenic for autosomal recessive hyperinsulinemic hypoglycemia. ACMG/AMP Criteria applied: PVS1, PM2_supporting, PM3 (Richards 2015).

Cardiovascular Genetics Laboratory, PathWest Laboratory Medicine WA - Fiona Stanley Hospital
Classification: Pathogenic for Hyperinsulinemic hypoglycemia, familial, 1. Last evaluated: 2021-08-18. Review status: no assertion criteria provided. Criteria: ACMG Guidelines, 2015. Collection method: clinical testing. Allele origin: germline. Not counted in ClinVar's aggregate classification.

Counsyl
Classification: Likely pathogenic for Hyperinsulinemic hypoglycemia, familial, 1. Last evaluated: 2015-06-22. Review status: no assertion criteria provided. Collection method: clinical testing. Allele origin: unknown. Not counted in ClinVar's aggregate classification.

Clinical Genomics, Uppaluri K&H Personalized Medicine Clinic
Classification: Uncertain risk allele for Neonatal diabetes mellitus. Last evaluated: 2024-05-27. Review status: flagged submission. Criteria: K And H Uppaluri Personalized Medicine Clinic Variant Classification And Assertion Criteria Updated V 2. Collection method: research. Allele origin: unknown. Not counted in ClinVar's aggregate classification.
Comment: This variant is found to be a potent moderate impact, variant with a CADD score of 35 and sufficient scientific evidence of gene-disease correlation. However, since this is not a high impact variant and no variant evidence, this variant is reclassified as Uncertain risk allele.
ClinVar note: Reason: Outlier claim with insufficient supporting evidence

Clinical Genomics, Uppaluri K&H Personalized Medicine Clinic
Classification: Uncertain risk allele for Maturity-onset diabetes of the young. Last evaluated: 2024-05-27. Review status: flagged submission. Criteria: K And H Uppaluri Personalized Medicine Clinic Variant Classification And Assertion Criteria Updated V 2. Collection method: research. Allele origin: unknown. Not counted in ClinVar's aggregate classification.
Comment: the same text as in the submission from Clinical Genomics, Uppaluri K&H Personalized Medicine Clinic above.
ClinVar note: Reason: Outlier claim with insufficient supporting evidence

Literature cited by the submitters: PubMed 23345197 (cited by 3 submitters); PubMed 16199547 (cited by Labcorp Genetics (formerly Invitae), Labcorp); PubMed 20685672 (cited by Labcorp Genetics (formerly Invitae), Labcorp); PubMed 32027066 (cited by Labcorp Genetics (formerly Invitae), Labcorp); PubMed 32376986 (cited by Clinical Genomics, Uppaluri K&H Personalized Medicine Clinic); PubMed 20922570 (cited by Clinical Genomics, Uppaluri K&H Personalized Medicine Clinic); PubMed 17389331 (cited by Clinical Genomics, Uppaluri K&H Personalized Medicine Clinic); PubMed 17919176 (cited by Clinical Genomics, Uppaluri K&H Personalized Medicine Clinic); PubMed 21738553 (cited by Clinical Genomics, Uppaluri K&H Personalized Medicine Clinic); PubMed 33013711 (cited by Clinical Genomics, Uppaluri K&H Personalized Medicine Clinic); PubMed 31216263 (cited by Clinical Genomics, Uppaluri K&H Personalized Medicine Clinic); PubMed 38095268 (cited by Clinical Genomics, Uppaluri K&H Personalized Medicine Clinic); PubMed 38513803 (cited by Clinical Genomics, Uppaluri K&H Personalized Medicine Clinic).